The following is an entry in ClinVar:

ClinVar aggregate classification (germline): not provided (0 of 4 stars; one submission).

Allele frequency attached by ClinVar (database versions not stated): gnomAD 0.00003 and 0.00007; TOPMed 0.00004; 1000 Genomes Project 0.00020; 1000 Genomes Project 30x 0.00031.

Submission:

Human Evolutionary Genetics, Institut Pasteur
No classification provided. Review status: no classification provided. Collection method: not provided. Allele origin: germline.
ClinVar note: Converted during submission from untested to not provided.

NM_006092.4(NOD1):c.1423C>T (p.Leu475Phe)

Gene: NOD1 (nucleotide binding oligomerization domain containing 1; minus strand). Cytogenetic location: 7p14.3.
Variant type: single nucleotide variant.
Coding change: c.1423C>T on transcript NM_006092.4 (MANE Select); coding-DNA position 1423, C replaced by T.
Protein change: p.Leu475Phe; replaces leucine 475 with phenylalanine.
Molecular consequence: missense variant. On other transcripts: non-coding transcript variant (1).
Genome position (GRCh38, 1-based): chr7:30,451,994, G>A on the plus strand (C>T on the coding strand, the complement: NOD1 is on the minus strand). VCF-style: chr7-30451994-G-A. GRCh37 (hg19) VCF-style: chr7-30491610-G-A.
Other names: c.1423C>T, p.Leu475Phe (NM_001354849.2); short protein forms L475F.
Identifiers: ClinVar variation 103090 (VCV000103090.2), dbSNP rs199475901, ClinGen allele CA230104.